The following is an entry in ClinVar:

ClinVar aggregate classification (germline): Uncertain significance. Review status: criteria provided, multiple submitters, no conflicts (2 of 4 stars). 2 submissions from 2 submitters: Uncertain significance (2). Last evaluated 2025-02-19.

Conditions:
Inborn genetic diseases. Identifiers: MedGen C0950123, MeSH D030342.

Allele frequency attached by ClinVar (database versions not stated): gnomAD exomes 0.00001; TOPMed below 0.00001; ExAC 0.00001.
gnomAD v4.1: 11 of 1,566,910 alleles (0.0007%); highest among the groups gnomAD compares: Non-Finnish European, 0.00095%; no homozygotes.

Submissions (2):

Ambry Genetics
Classification: Uncertain significance for Inborn genetic diseases. Last evaluated: 2025-02-19. Review status: criteria provided, single submitter. Criteria: Ambry Variant Classification Scheme 2023. Collection method: clinical testing. Allele origin: germline.
Comment: The p.K382E variant (also known as c.1144A>G), located in coding exon 6 of the ERCC6L2 gene, results from an A to G substitution at nucleotide position 1144. The lysine at codon 382 is replaced by glutamic acid, an amino acid with similar properties. This amino acid position is conserved. In addition, the in silico prediction for this alteration is inconclusive. Based on the available evidence, the clinical significance of this variant remains unclear.

Labcorp Genetics (formerly Invitae), Labcorp
Classification: Uncertain significance. Last evaluated: 2022-02-04. Review status: criteria provided, single submitter. Criteria: Invitae Variant Classification Sherloc (09022015). Collection method: clinical testing. Allele origin: germline.
Comment: This sequence change replaces lysine, which is basic and polar, with glutamic acid, which is acidic and polar, at codon 393 of the ERCC6L2 protein (p.Lys393Glu). This variant is present in population databases (rs749572532, gnomAD 0.002%). This variant has not been reported in the literature in individuals affected with ERCC6L2-related conditions. Algorithms developed to predict the effect of missense changes on protein structure and function are either unavailable or do not agree on the potential impact of this missense change (SIFT: "Deleterious"; PolyPhen-2: "Not Available"; Align-GVGD: "Class C0"). In summary, the available evidence is currently insufficient to determine the role of this variant in disease. Therefore, it has been classified as a Variant of Uncertain Significance.

NM_020207.7(ERCC6L2):c.1144A>G (p.Lys382Glu)

Gene: ERCC6L2 (ERCC excision repair 6 like 2; plus strand). Cytogenetic location: 9q22.32.
Variant type: single nucleotide variant.
Coding change: c.1144A>G on transcript NM_020207.7 (MANE Select); coding-DNA position 1144, A replaced by G.
Protein change: p.Lys382Glu; replaces lysine 382 with glutamic acid.
Molecular consequence: missense variant. On other transcripts: non-coding transcript variant (1).
Genome position (GRCh38, 1-based): chr9:95,916,420, A>G. VCF-style: chr9-95916420-A-G. GRCh37 (hg19) VCF-style: chr9-98678702-A-G.
Other names: c.1144A>G, p.Lys382Glu (NM_001010895.4, NM_001375291.1, NM_001375292.1 and 2 more transcripts); short protein forms K382E.
Identifiers: ClinVar variation 1424822 (VCV001424822.4), dbSNP rs749572532, ClinGen allele CA5139466.
Genomic context (GRCh38, chr9:95,916,420, plus strand): 5'-AAAAAGATGTCTGGCTGGTTTCTCAGGCGCACCAAGACTCTTATCAAGGATCAGTTGCCT[A>G]AGAAGGAAGACCGGGTAAGAACCGCATTTGTATATATTATTAATTTGTGGTCATATTTTT-3'
Protein context (NP_064592.3, residues 372-392): TKTLIKDQLP[Lys382Glu]KEDRMVYCSL